The following is an entry in ClinVar:

ClinVar aggregate classification (germline): Pathogenic/Likely pathogenic. Review status: criteria provided, multiple submitters, no conflicts (2 of 4 stars). 36 submissions from 35 submitters: Pathogenic (29); Likely pathogenic (3). 4 of the submissions do not count toward it. Last evaluated 2026-08-01.

Conditions:
G6PD-related disorders.
G6PD-related disorder. Also called: G6PD-related condition.
G6PD deficient hemolytic anemia.
Malaria, susceptibility to. Identifiers: Orphanet 673, MedGen C1970028, MONDO:0021024, OMIM 611162.
Anemia, nonspherocytic hemolytic, due to G6PD deficiency (CNSHA1). Also called: Class I glucose-6-phosphate dehydrogenase deficiency; ANEMIA, CONGENITAL, NONSPHEROCYTIC HEMOLYTIC, 1; Hemolytic anemia due to G6PD deficiency; Favism, susceptibility to. Identifiers: Orphanet 466026, MedGen C2720289, MONDO:0010480, OMIM 300908.
Inborn genetic diseases. Identifiers: MedGen C0950123, MeSH D030342.
G6PD VIANGCHAN.
G6PD JAMMU.
G6PD deficiency. Also called: G6PD A-. Identifiers: MedGen C2939465, MONDO:0005775.
Type 2 diabetes mellitus. Also called: Type II diabetes mellitus. Identifiers: MedGen C0011860, MeSH D003924, MONDO:0005148, OMIM 125853, HP:0005978.

Allele frequency attached by ClinVar (database versions not stated): gnomAD 0.00014 and 0.00010; gnomAD exomes 0.00022; 1000 Genomes Project 30x 0.00125; 1000 Genomes Project 0.00159; TOPMed 0.00011; ExAC 0.00025.
gnomAD v4.1: 154 of 1,210,676 alleles (0.013%); highest among the groups gnomAD compares: East Asian, 0.17%; 6 homozygotes.

Submissions 1 to 8 of 36:

CeGaT Center for Human Genetics Tuebingen
Classification: Pathogenic. Last evaluated: 2026-08-01. Review status: criteria provided, single submitter. Criteria: CeGaT Center For Human Genetics Tuebingen Variant Classification Criteria Version 2. Collection method: clinical testing. Allele origin: germline. Affected: yes. Observed: 9 variant alleles.
Comment: G6PD: PS3, PS4, PM2

PreventionGenetics, part of Exact Sciences
Classification: Pathogenic for G6PD-related condition. Last evaluated: 2026-07-20. Review status: criteria provided, single submitter. Criteria: ACMG Guidelines, 2015. Collection method: clinical testing. Allele origin: germline.
Comment: The G6PD c.871G>A variant is predicted to result in the amino acid substitution p.Val291Met. This variant, also referred to as G6PD Viangchan/Jammu, has previously been reported to be causative for glucose-6-phosphate dehydrogenase deficiency. This variant is likely the most common causative variant in non-Chinese Southeast Asian population (Nuchprayoon et al. 2008. PubMed ID: 18046504; Boonyuen et al. 2016. PubMed ID: 27053284). This variant is reported in 0.25% of alleles in individuals of East Asian descent in gnomAD. This variant is interpreted as pathogenic.

Labcorp Genetics (formerly Invitae), Labcorp
Classification: Pathogenic for Anemia, nonspherocytic hemolytic, due to G6PD deficiency. Last evaluated: 2026-02-02. Review status: criteria provided, single submitter. Criteria: Invitae Variant Classification Sherloc (09022015). Collection method: clinical testing. Allele origin: germline.
Comment: This sequence change replaces valine, which is neutral and non-polar, with methionine, which is neutral and non-polar, at codon 291 of the G6PD protein (p.Val291Met). This variant is present in population databases (rs137852327, gnomAD 0.2%), and has an allele count higher than expected for a pathogenic variant. This missense change has been observed in individuals with G6PD deficiency (PMID: 15906717, 16155737, 18329300). It has also been observed to segregate with disease in related individuals. ClinVar contains an entry for this variant (Variation ID: 10386). Invitae Evidence Modeling of protein sequence and biophysical properties (such as structural, functional, and spatial information, amino acid conservation, physicochemical variation, residue mobility, and thermodynamic stability) indicates that this missense variant is expected to disrupt G6PD protein function with a positive predictive value of 95%. Experimental studies have shown that this missense change affects G6PD function (PMID: 3338798, 27213370). For these reasons, this variant has been classified as Pathogenic.

Department of Otolaryngology Head and Neck Surgery, Hainan Hospital of the Chinese People’s Liberation Army General Hospital
Classification: Pathogenic for Anemia, nonspherocytic hemolytic, due to G6PD deficiency. Last evaluated: 2026-02-01. Review status: criteria provided, single submitter. Criteria: ACMG Guidelines, 2015. Collection method: clinical testing. Allele origin: germline. Affected: yes.
Comment: This variant is a single nucleotide substitution in the G6PD gene (NM_001360016.2:c.871G>A, p.Val291Met), commonly known as the G6PD Viangchan mutation. This missense change results in a valine-to-methionine substitution at codon 291 of the glucose-6-phosphate dehydrogenase enzyme. G6PD Viangchan is one of the most prevalent G6PD deficiency mutations in Southeast Asian populations, including Thai, Cambodian, Lao, Vietnamese, and Malay populations. It has been reported as the most common G6PD variant in Thailand (54%) and Cambodia (82.4%), and accounts for approximately 24.5% of G6PD-deficient cases in Northern Vietnam. In Chinese populations, c.871G>A is consistently reported as one of the common variants, often linked to the silent polymorphism c.1311C>T. This variant is classified as a Class II mutation, associated with a severe decrease in enzyme activity. Individuals hemizygous for this mutation typically present with clinical manifestations including neonatal jaundice and acute hemolytic anemia, often triggered by oxidative stress from drugs, infections, or fava beans consumption. The classification of this variant as pathogenic is based on its well-established role in reducing G6PD enzyme activity and its clinical significance in causing G6PD deficiency, leading to the characteristic hematological features of this X-linked disorder.

Rady Children's Institute for Genomic Medicine, Rady Children's Hospital San Diego
Classification: Pathogenic for G6PD deficiency. Last evaluated: 2025-11-20. Review status: criteria provided, single submitter. Criteria: ACMG Guidelines, 2015. Collection method: clinical testing. Allele origin: germline. Affected: yes.
Comment: This variant results in a c.961G>A (p.Val321Met) change in an alternate transcript NM_000402.4 and is also known as G6PD Viangchan or G6PD Jammu. The c.871G>A (p.Val291Met) variant affects a highly conserved amino acid and is predicted by multiple in silico tools to have a deleterious effect on protein function. This is a known Pathogenic variant that has been previously reported in patients with G6PD deficiency and has been described in the literature as the most common G6PD deficiency variant in certain East Asian populations (PMID: 16155737, 15906717, 18329300). Functional studies have demonstrated that this variant impairs G6PD enzyme activity and stability (PMID: 3338798, 27213370, 27053284). The c.871G>A (p.Val291Met) variant is present in the latest version of the gnomAD population database at an allele frequency of 0.01% (154/1210676), including 6 homozygous individuals and 48 hemizygous individuals. Based on the available evidence, c.871G>A (p.Val291Met) is classified as Pathogenic.

Variantyx, Inc.
Classification: Pathogenic for Anemia, nonspherocytic hemolytic, due to G6PD deficiency. Last evaluated: 2025-11-10. Review status: criteria provided, single submitter. Criteria: Variantyx Assertion Criteria 2022. Collection method: clinical testing. Allele origin: maternal. Inheritance: X-linked inheritance.
Comment: This is a nonsynonymous variant in the G6PD gene (OMIM: 305900). Pathogenic variants in this gene have been associated with X-linked hemolytic anemia due to G6PD deficiency (favism). Although this variant has a 0.1718% maximum allele frequency in non-founder control populations, this is an established founder variant (PMID: 1805484, 25775246) (PS4). Functional studies have shown that this variant alters G6PD protein function (PMID: 27213370, 27053284, 3338798, 29339739) (PS3_Very_Strong) and multiple computational algorithms predict a deleterious effect (REVEL score: 0.936) (PP3_Strong). Based on the current evidence, this variant is classified as pathogenic for X-linked hemolytic anemia due to G6PD deficiency (favism).

Mayo Clinic Laboratories, Mayo Clinic
Classification: Pathogenic. Last evaluated: 2025-10-14. Review status: criteria provided, single submitter. Criteria: ACMG Guidelines, 2015. Collection method: clinical testing. Allele origin: germline. Observed: 5 variant alleles.
Comment: PP3_strong, PM1, PS3, PS4

Genesolutions, Medical Genetics Institutes, Ho Chi Minh City, Vietnam
Classification: Likely pathogenic for Anemia, nonspherocytic hemolytic, due to G6PD deficiency. Last evaluated: 2025-09-24. Review status: criteria provided, single submitter. Criteria: ACMG Guidelines, 2015. Collection method: clinical testing. Allele origin: germline. Affected: yes.

NM_000402.4(G6PD):c.961G>A (p.Val321Met)

Gene: G6PD (glucose-6-phosphate dehydrogenase; minus strand). Cytogenetic location: Xq28.
Variant type: single nucleotide variant.
Coding change: c.961G>A on transcript NM_000402.4; coding-DNA position 961, G replaced by A.
Protein change: p.Val321Met; replaces valine 321 with methionine.
Molecular consequence: missense variant.
Genome position (GRCh38, 1-based): chrX:154,533,122, C>T on the plus strand (G>A on the coding strand, the complement: G6PD is on the minus strand). VCF-style: chrX-154533122-C-T. GRCh37 (hg19) VCF-style: chrX-153761337-C-T.
Other names: G6PD, VAL291MET; G6PD Jammu; G6PD Viangchan; c.871G>A, p.Val291Met (NM_001042351.3, NM_001360016.2); short protein forms V291M, V321M.
Identifiers: ClinVar variation 10386 (VCV000010386.125), dbSNP rs137852327, ClinGen allele CA120988.
Genomic context (GRCh38, chrX:154,533,122, plus strand): 5'-TCCCCACGTACTGGCCCAGGACCACATTGTTGGCCTGCACCTCTGAGATGCATTTCAACA[C>T]CTTGACCTGAGAGAAAGCCAAGGGAGAGAATGGGCTCCTTGGGTGTTGAGTTGGGGTGCA-3'